The following is an entry in ClinVar:

ClinVar aggregate classification (germline): Uncertain significance (1 of 4 stars; one submission).

Submission:

Labcorp Genetics (formerly Invitae), Labcorp
Classification: Uncertain significance. Last evaluated: 2025-08-18. Review status: criteria provided, single submitter. Criteria: Invitae Variant Classification Sherloc (09022015). Collection method: clinical testing. Allele origin: germline.
Comment: This sequence change replaces glutamine, which is neutral and polar, with proline, which is neutral and non-polar, at codon 110 of the THAP11 protein (p.Gln110Pro). Information on the frequency of this variant in the gnomAD database is not available, as this variant may be reported differently in the database. This variant has not been reported in the literature in individuals affected with THAP11-related conditions. Experimental studies and prediction algorithms are not available or were not evaluated, and the functional significance of this variant is currently unknown. In summary, the available evidence is currently insufficient to determine the role of this variant in disease. Therefore, it has been classified as a Variant of Uncertain Significance.

NM_020457.3(THAP11):c.329_330delinsCA (p.Gln110Pro)

Genes: CENPT (centromere protein T; minus strand), THAP11 (THAP domain containing 11; plus strand). Cytogenetic location: 16q22.1.
Variant type: Indel.
Coding change: c.329_330delinsCA on transcript NM_020457.3 (MANE Select); coding-DNA positions 329 to 330, AG replaced by CA.
Protein change: p.Gln110Pro; replaces glutamine 110 with proline.
Molecular consequence: missense variant. On other transcripts: intron variant (1).
Genome position (GRCh38, 1-based): chr16:67,842,883-67,842,884, AG replaced by CA. VCF-style: chr16-67842883-AG-CA. GRCh37 (hg19) VCF-style: chr16-67876786-AG-CA.
Other names: c.-492+4517_-492+4518delinsTG (NM_025082.4); short protein forms Q110P.
Identifiers: ClinVar variation 4725263 (VCV004725263.1).